The following is an entry in ClinVar:

ClinVar aggregate classification (germline): Uncertain significance (1 of 4 stars; one submission).

Conditions:
Hereditary pancreatitis (PCTT). Also called: Hereditary chronic pancreatitis; PRSS1-Related Hereditary Pancreatitis. Identifiers: Orphanet 676, MedGen C0238339, MONDO:0008185, OMIM 167800.

Submission:

Ambry Genetics
Classification: Uncertain significance for Hereditary pancreatitis. Last evaluated: 2024-04-20. Review status: criteria provided, single submitter. Criteria: Ambry Variant Classification Scheme 2023. Collection method: clinical testing. Allele origin: germline.
Comment: The p.E91G variant (also known as c.272A>G), located in coding exon 3 of the CPA1 gene, results from an A to G substitution at nucleotide position 272. The glutamic acid at codon 91 is replaced by glycine, an amino acid with similar properties. This amino acid position is conserved. In addition, this alteration is predicted to be tolerated by in silico analysis. Based on the available evidence, the clinical significance of this variant remains unclear.

NM_001868.4(CPA1):c.272A>G (p.Glu91Gly)

Gene: CPA1 (carboxypeptidase A1; plus strand). Cytogenetic location: 7q32.2.
Variant type: single nucleotide variant.
Coding change: c.272A>G on transcript NM_001868.4 (MANE Select); coding-DNA position 272, A replaced by G.
Protein change: p.Glu91Gly; replaces glutamic acid 91 with glycine.
Molecular consequence: missense variant.
Genome position (GRCh38, 1-based): chr7:130,381,754, A>G. VCF-style: chr7-130381754-A-G. GRCh37 (hg19) VCF-style: chr7-130021595-A-G.
Other names: short protein forms E91G.
Identifiers: ClinVar variation 3269084 (VCV003269084.1).